The following is an entry in ClinVar:

ClinVar aggregate classification (germline): Pathogenic (1 of 4 stars; one submission).

Conditions:
Kleefstra syndrome 1 (KLEFS1). Identifiers: Orphanet 261494, MedGen C0795833, MONDO:0027407, OMIM 610253.

Submission:

Labcorp Genetics (formerly Invitae), Labcorp
Classification: Pathogenic for Kleefstra syndrome 1. Last evaluated: 2023-10-13. Review status: criteria provided, single submitter. Criteria: Invitae Variant Classification Sherloc (09022015). Collection method: clinical testing. Allele origin: germline.
Comment: This variant is a gross deletion of the genomic region encompassing exon(s) 5-6 of the EHMT1 gene. This deletion is out-of-frame, and is expected to create a premature termination codon and result in an absent or disrupted protein product. Loss-of-function variants in EHMT1 are known to be pathogenic (PMID: 16826528, 19264732). This variant has not been reported in the literature in individuals affected with EHMT1-related conditions. For these reasons, this variant has been classified as Pathogenic.

Literature cited by the submitters: PubMed 16826528; PubMed 19264732.

NC_000009.11:g.(?_140637803)_(140638562_?)del

Gene: EHMT1 (euchromatic histone lysine methyltransferase 1; plus strand). Cytogenetic location: 9q34.3.
Variant type: Deletion.
Identifiers: ClinVar variation 2426883 (VCV002426883.5).